The following is an entry in ClinVar:

NM_000044.6(AR):c.1960G>A (p.Glu654Lys)

Gene: AR (androgen receptor; plus strand). Cytogenetic location: Xq12.
Variant type: single nucleotide variant.
Coding change: c.1960G>A on transcript NM_000044.6 (MANE Select); coding-DNA position 1960, G replaced by A.
Protein change: p.Glu654Lys; replaces glutamic acid 654 with lysine.
Molecular consequence: missense variant.
Genome position (GRCh38, 1-based): chrX:67,711,476, G>A. VCF-style: chrX-67711476-G-A. GRCh37 (hg19) VCF-style: chrX-66931318-G-A.
Other names: c.364G>A, p.Glu122Lys (NM_001011645.3); short protein forms E122K, E654K.
Identifiers: ClinVar variation 1686481 (VCV001686481.12), dbSNP rs200737258, ClinGen allele CA10436556.

ClinVar aggregate classification (germline): Benign/Likely benign. Review status: criteria provided, multiple submitters, no conflicts (2 of 4 stars). 4 submissions from 4 submitters: Benign (3); Likely benign (1). Last evaluated 2025-09-01.

Conditions:
Androgen resistance syndrome (AIS). Also called: TESTICULAR FEMINIZATION SYNDROME; Androgen insensitivity, complete; Androgen insensitivity syndrome; ANDROGEN RECEPTOR DEFICIENCY; Androgen insensitivity syndrome due to coactivator deficiency; Androgen insensitivity. Identifiers: Orphanet 754, Orphanet 99429, MedGen C0039585, MONDO:0019154, OMIM 300068. Disease mechanism: loss of function.
Kennedy disease (SMAX1). Also called: Spinal and Bulbar Muscular Atrophy; SPINAL AND BULBAR MUSCULAR ATROPHY, X-LINKED 1; KENNEDY SPINAL AND BULBAR MUSCULAR ATROPHY. Identifiers: Orphanet 481, MedGen C1839259, MONDO:0010735, OMIM 313200.

Allele frequency attached by ClinVar (database versions not stated): TOPMed 0.00011; 1000 Genomes Project 30x 0.00062; 1000 Genomes Project 0.00079; gnomAD exomes 0.00088 and 0.00214; gnomAD 0.00112 and 0.00116; ExAC 0.00268.
gnomAD v4.1: 1,119 of 1,207,728 alleles (0.093%); highest among the groups gnomAD compares: Non-Finnish European, 0.018%; 9 homozygotes.

Submissions (4):

CeGaT Center for Human Genetics Tuebingen
Classification: Benign. Last evaluated: 2025-09-01. Review status: criteria provided, single submitter. Criteria: CeGaT Center For Human Genetics Tuebingen Variant Classification Criteria Version 2. Collection method: clinical testing. Allele origin: germline. Affected: yes. Observed: 1 variant allele.
Comment: AR: BS1, BS2

Labcorp Genetics (formerly Invitae), Labcorp
Classification: Benign for Kennedy disease; Androgen resistance syndrome. Last evaluated: 2024-10-29. Review status: criteria provided, single submitter. Criteria: Invitae Variant Classification Sherloc (09022015). Collection method: clinical testing. Allele origin: germline.

Blueprint Genetics
Classification: Likely benign. Last evaluated: 2024-10-22. Review status: criteria provided, single submitter. Criteria: ACMG Guidelines, 2015. Collection method: clinical testing. Allele origin: germline.

Mendelics
Classification: Benign. Last evaluated: 2022-05-04. Review status: criteria provided, single submitter. Criteria: Mendelics Assertion Criteria 2019. Collection method: clinical testing. Allele origin: germline.